The following is an entry in ClinVar:

NM_015311.3(OBSL1):c.1474G>A (p.Ala492Thr)

Gene: OBSL1 (obscurin like cytoskeletal adaptor 1; minus strand). Cytogenetic location: 2q35.
Variant type: single nucleotide variant.
Coding change: c.1474G>A on transcript NM_015311.3 (MANE Select); coding-DNA position 1474, G replaced by A.
Protein change: p.Ala492Thr; replaces alanine 492 with threonine.
Molecular consequence: missense variant.
Genome position (GRCh38, 1-based): chr2:219,567,778, C>T on the plus strand (G>A on the coding strand, the complement: OBSL1 is on the minus strand). VCF-style: chr2-219567778-C-T. GRCh37 (hg19) VCF-style: chr2-220432500-C-T.
Other names: c.1474G>A, p.Ala492Thr (NM_001173408.2, NM_001173431.2); short protein forms A492T.
Identifiers: ClinVar variation 624182 (VCV000624182.46), dbSNP rs747339260, ClinGen allele CA2131528.

ClinVar aggregate classification (germline): Uncertain significance. Review status: criteria provided, multiple submitters, no conflicts (2 of 4 stars). 2 submissions from 2 submitters: Uncertain significance (2). Last evaluated 2024-10-24.

Allele frequency attached by ClinVar (database versions not stated): gnomAD 0.00001; TOPMed 0.00001; gnomAD exomes 0.00002; ExAC 0.00005.
gnomAD v4.1: 22 of 1,613,826 alleles (0.0014%); highest among the groups gnomAD compares: Non-Finnish European, 0.0019%; no homozygotes.

Submissions (2):

Labcorp Genetics (formerly Invitae), Labcorp
Classification: Uncertain significance. Last evaluated: 2024-10-24. Review status: criteria provided, single submitter. Criteria: Invitae Variant Classification Sherloc (09022015). Collection method: clinical testing. Allele origin: germline.
Comment: This sequence change replaces alanine, which is neutral and non-polar, with threonine, which is neutral and polar, at codon 492 of the OBSL1 protein (p.Ala492Thr). This variant is present in population databases (rs747339260, gnomAD 0.004%). This variant has not been reported in the literature in individuals affected with OBSL1-related conditions. ClinVar contains an entry for this variant (Variation ID: 624182). An algorithm developed to predict the effect of missense changes on protein structure and function (PolyPhen-2) suggests that this variant is likely to be disruptive. In summary, the available evidence is currently insufficient to determine the role of this variant in disease. Therefore, it has been classified as a Variant of Uncertain Significance.

CeGaT Center for Human Genetics Tuebingen
Classification: Uncertain significance. Last evaluated: 2018-07-01. Review status: criteria provided, single submitter. Criteria: CeGaT Center For Human Genetics Tuebingen Variant Classification Criteria Version 2. Collection method: clinical testing. Allele origin: germline. Affected: yes. Observed: 3 variant alleles.